The following is an entry in ClinVar:

NM_001042492.3(NF1):c.3709-984C>T

Gene: NF1 (neurofibromin 1; plus strand). Cytogenetic location: 17q11.2.
Variant type: single nucleotide variant.
Coding change: c.3709-984C>T on transcript NM_001042492.3 (MANE Select); 984 bases into the intron before coding-DNA position 3709, C replaced by T.
Molecular consequence: intron variant.
Genome position (GRCh38, 1-based): chr17:31,234,627, C>T. VCF-style: chr17-31234627-C-T. GRCh37 (hg19) VCF-style: chr17-29561645-C-T.
Other names: c.3709-984C>T (NM_000267.4).
Identifiers: ClinVar variation 2570983 (VCV002570983.27), dbSNP rs140157146, ClinGen allele CA289339625.

ClinVar aggregate classification (germline): Likely benign (1 of 4 stars; one submission).

Allele frequency attached by ClinVar (database versions not stated): 1000 Genomes Project 0.00100; 1000 Genomes Project 30x 0.00109; gnomAD 0.00177.
gnomAD v4.1: 250 of 143,952 alleles (0.17%); highest among the groups gnomAD compares: Non-Finnish European, 0.23%; no homozygotes.

Submission:

CeGaT Center for Human Genetics Tuebingen
Classification: Likely benign. Last evaluated: 2026-07-01. Review status: criteria provided, single submitter. Criteria: CeGaT Center For Human Genetics Tuebingen Variant Classification Criteria Version 2. Collection method: clinical testing. Allele origin: germline. Affected: yes. Observed: 19 variant alleles.
Comment: NF1: BS1